The following is an entry in ClinVar:

ClinVar aggregate classification (germline): Uncertain significance (1 of 4 stars; one submission).

Conditions:
Hereditary breast ovarian cancer syndrome. Also called: Hereditary breast and ovarian cancer syndrome; Hereditary breast and ovarian cancer syndrome (HBOC); BRCA1- and BRCA2-Associated Hereditary Breast and Ovarian Cancer; Hereditary breast and ovarian cancer; Breast and ovarian cancer; Hereditary breast and/or ovarian cancer syndrome. Identifiers: Orphanet 145, MedGen C0677776, MeSH D061325, MONDO:0003582. Disease mechanism: loss of function.

Submission:

Labcorp Genetics (formerly Invitae), Labcorp
Classification: Uncertain significance for Hereditary breast ovarian cancer syndrome. Last evaluated: 2026-01-05. Review status: criteria provided, single submitter. Criteria: Invitae Variant Classification Sherloc (09022015). Collection method: clinical testing. Allele origin: germline.
Comment: This sequence change replaces histidine, which is basic and polar, with tyrosine, which is neutral and polar, at codon 3185 of the BRCA2 protein (p.His3185Tyr). This variant is not present in population databases (gnomAD no frequency). This variant has not been reported in the literature in individuals affected with BRCA2-related conditions. ClinVar contains an entry for this variant (Variation ID: 3636564). Invitae Evidence Modeling of protein sequence and biophysical properties (such as structural, functional, and spatial information, amino acid conservation, physicochemical variation, residue mobility, and thermodynamic stability) indicates that this missense variant is not expected to disrupt BRCA2 protein function with a negative predictive value of 95%. In summary, the available evidence is currently insufficient to determine the role of this variant in disease. Therefore, it has been classified as a Variant of Uncertain Significance.

NM_000059.4(BRCA2):c.9553C>T (p.His3185Tyr)

Gene: BRCA2 (BRCA2 DNA repair associated; plus strand). Cytogenetic location: 13q13.1.
Variant type: single nucleotide variant.
Coding change: c.9553C>T on transcript NM_000059.4 (MANE Select); coding-DNA position 9553, C replaced by T.
Protein change: p.His3185Tyr; replaces histidine 3185 with tyrosine.
Molecular consequence: missense variant. On other transcripts: non-coding transcript variant (1).
Genome position (GRCh38, 1-based): chr13:32,396,949, C>T. VCF-style: chr13-32396949-C-T. GRCh37 (hg19) VCF-style: chr13-32971086-C-T.
Other names: c.9457C>T, p.His3153Tyr (NM_001406719.1); c.9502C>T, p.His3168Tyr (NM_001406720.1); c.4621C>T, p.His1541Tyr (NM_001406721.1); c.3136C>T, p.His1046Tyr (NM_001406722.1); c.9553C>T, p.His3185Tyr (NM_001432077.1); short protein forms H1046Y, H1541Y, H3185Y, H3153Y, H3168Y.
Identifiers: ClinVar variation 3636564 (VCV003636564.2).